The following is an entry in ClinVar:

ClinVar aggregate classification (germline): Benign/Likely benign. Review status: criteria provided, multiple submitters, no conflicts (2 of 4 stars). 6 submissions from 6 submitters: Benign (1); Likely benign (5). Last evaluated 2025-10-09.

Conditions:
Hereditary cancer-predisposing syndrome. Also called: Neoplastic Syndromes, Hereditary; Tumor predisposition; Hereditary Cancer Syndrome; Hereditary neoplastic syndrome. Identifiers: Orphanet 140162, MedGen C0027672, MeSH D009386, MONDO:0015356.
Classic or attenuated familial adenomatous polyposis. Identifiers: MedGen CN372698, MONDO:0021057.
Familial adenomatous polyposis 1 (FAP1). Also called: FAMILIAL ADENOMATOUS POLYPOSIS 1, ATTENUATED; POLYPOSIS, ADENOMATOUS INTESTINAL. Identifiers: MedGen C2713442, MONDO:0021056, OMIM 175100. Disease mechanism: loss of function.

Allele frequency attached by ClinVar (database versions not stated): gnomAD exomes below 0.00001; gnomAD 0.00001; TOPMed 0.00001.
gnomAD v4.1: 5 of 1,612,964 alleles (0.00031%); highest among the groups gnomAD compares: Non-Finnish European, 0.00034%; no homozygotes.

Submissions (6):

Labcorp Genetics (formerly Invitae), Labcorp
Classification: Likely benign for Familial adenomatous polyposis 1. Last evaluated: 2025-10-09. Review status: criteria provided, single submitter. Criteria: Invitae Variant Classification Sherloc (09022015). Collection method: clinical testing. Allele origin: germline.

Myriad Genetics, Inc.
Classification: Benign for Familial adenomatous polyposis 1. Last evaluated: 2024-04-16. Review status: criteria provided, single submitter. Criteria: Myriad Autosomal Dominant, Autosomal Recessive and X-Linked Classification Criteria (2023). Collection method: clinical testing. Allele origin: unknown.
Comment: This variant is considered benign. This variant is a silent/synonymous amino acid change and it is not expected to impact splicing.

All of Us Research Program, National Institutes of Health
Classification: Likely benign for Classic or attenuated familial adenomatous polyposis. Last evaluated: 2023-12-01. Review status: criteria provided, single submitter. Criteria: ACMG Guidelines, 2015. Collection method: clinical testing. Allele origin: germline. Inheritance: Autosomal dominant inheritance. Observed: 4 variant alleles, 4 heterozygotes.
Comment: This study involves interpretation of variants in research participants for the purpose of population health screening. Participant phenotype was not available at the time of variant classification. Additional details can be found in publication PMID: 35346344, PMCID: PMC8962531

Color Diagnostics, LLC DBA Color Health
Classification: Likely benign for Hereditary cancer-predisposing syndrome. Last evaluated: 2018-03-28. Review status: criteria provided, single submitter. Criteria: ACMG Guidelines, 2015. Collection method: clinical testing. Allele origin: germline.

PreventionGenetics, part of Exact Sciences
Classification: Likely benign. Last evaluated: 2017-11-28. Review status: criteria provided, single submitter. Criteria: ACMG Guidelines, 2015. Collection method: clinical testing. Allele origin: germline.

Ambry Genetics
Classification: Likely benign for Hereditary cancer-predisposing syndrome. Last evaluated: 2015-12-29. Review status: criteria provided, single submitter. Criteria: Ambry Variant Classification Scheme 2023. Collection method: clinical testing. Allele origin: germline.

NM_000038.6(APC):c.8511T>C (p.Ser2837=)

Gene: APC (APC regulator of Wnt signaling pathway; plus strand). Cytogenetic location: 5q22.2.
Variant type: single nucleotide variant.
Coding change: c.8511T>C on transcript NM_000038.6 (MANE Select); coding-DNA position 8511, T replaced by C.
Protein change: p.Ser2837=; no amino-acid change (serine 2837 retained).
Molecular consequence: synonymous variant.
Genome position (GRCh38, 1-based): chr5:112,844,105, T>C. VCF-style: chr5-112844105-T-C. GRCh37 (hg19) VCF-style: chr5-112179802-T-C.
Other names: c.8511T>C, p.Ser2837= (NM_001127510.3, NM_001354895.2); c.8457T>C, p.Ser2819= (NM_001127511.3); c.8565T>C, p.Ser2855= (NM_001354896.2); c.8541T>C, p.Ser2847= (NM_001354897.2); c.8436T>C, p.Ser2812= (NM_001354898.2); c.8427T>C, p.Ser2809= (NM_001354899.2); c.8388T>C, p.Ser2796= (NM_001354900.2); c.8334T>C, p.Ser2778= (NM_001354901.2); and 5 more.
Identifiers: ClinVar variation 482261 (VCV000482261.22), dbSNP rs1010623341, ClinGen allele CA125167826.